The following is an entry in ClinVar:

NM_004360.5(CDH1):c.509C>A (p.Pro170Gln)

Gene: CDH1 (cadherin 1; plus strand). Cytogenetic location: 16q22.1.
Variant type: single nucleotide variant.
Coding change: c.509C>A on transcript NM_004360.5 (MANE Select); coding-DNA position 509, C replaced by A.
Protein change: p.Pro170Gln; replaces proline 170 with glutamine.
Molecular consequence: missense variant. On other transcripts: 5 prime UTR variant (2).
Genome position (GRCh38, 1-based): chr16:68,808,545, C>A. VCF-style: chr16-68808545-C-A. GRCh37 (hg19) VCF-style: chr16-68842448-C-A.
Other names: c.509C>A, p.Pro170Gln (NM_001317184.2); c.-1107C>A (NM_001317185.2); c.-1311C>A (NM_001317186.2); short protein forms P170Q.
Identifiers: ClinVar variation 2810190 (VCV002810190.3), dbSNP rs2152129802, ClinGen allele CA396457776.

ClinVar aggregate classification (germline): Uncertain significance (1 of 4 stars; one submission).

Conditions:
Hereditary diffuse gastric adenocarcinoma (HDGC). Also called: DIFFUSE GASTRIC AND LOBULAR BREAST CANCER SYNDROME. Identifiers: Orphanet 26106, MedGen C1708349, MONDO:0007648, OMIM 137215.

Submission:

Labcorp Genetics (formerly Invitae), Labcorp
Classification: Uncertain significance for Hereditary diffuse gastric adenocarcinoma. Last evaluated: 2022-10-27. Review status: criteria provided, single submitter. Criteria: Invitae Variant Classification Sherloc (09022015). Collection method: clinical testing. Allele origin: germline.
Comment: This sequence change replaces proline, which is neutral and non-polar, with glutamine, which is neutral and polar, at codon 170 of the CDH1 protein (p.Pro170Gln). This variant is not present in population databases (gnomAD no frequency). This variant has not been reported in the literature in individuals affected with CDH1-related conditions. Algorithms developed to predict the effect of missense changes on protein structure and function are either unavailable or do not agree on the potential impact of this missense change (SIFT: "Deleterious"; PolyPhen-2: "Possibly Damaging"; Align-GVGD: "Class C0"). In summary, the available evidence is currently insufficient to determine the role of this variant in disease. Therefore, it has been classified as a Variant of Uncertain Significance.